The following is an entry in ClinVar:

ClinVar aggregate classification (germline): Benign. Review status: criteria provided, single submitter (1 of 4 stars). 2 submissions from 2 submitters: Benign (1). 1 of the submissions does not count toward it. Last evaluated 2019-12-31.

Allele frequency attached by ClinVar (database versions not stated): ExAC 0.00933; gnomAD 0.01517; TOPMed 0.01756; ESP Exome Variant Server 0.01830; 1000 Genomes Project 0.02037; 1000 Genomes Project 30x 0.02249.
gnomAD v4.1: 9,238 of 1,614,046 alleles (0.57%); highest among the groups gnomAD compares: African/African-American, 4.7%; 140 homozygotes.

Submissions (2):

Labcorp Genetics (formerly Invitae), Labcorp
Classification: Benign. Last evaluated: 2019-12-31. Review status: criteria provided, single submitter. Criteria: Invitae Variant Classification Sherloc (09022015). Collection method: clinical testing. Allele origin: germline.

ITMI
No classification provided. Condition: AllHighlyPenetrant. Last evaluated: 2013-09-19. Review status: no classification provided. Collection method: reference population. Allele origin: germline. Not counted in ClinVar's aggregate classification.
Comment: Please see associated publication for description of ethnicities

Literature cited by the submitters: PubMed 24728327 (cited by ITMI).

NM_001198.4(PRDM1):c.857G>C (p.Arg286Pro)

Gene: PRDM1 (PR/SET domain 1; plus strand). Cytogenetic location: 6q21.
Variant type: single nucleotide variant.
Coding change: c.857G>C on transcript NM_001198.4 (MANE Select); coding-DNA position 857, G replaced by C.
Protein change: p.Arg286Pro; replaces arginine 286 with proline.
Molecular consequence: missense variant.
Genome position (GRCh38, 1-based): chr6:106,105,017, G>C. VCF-style: chr6-106105017-G-C. GRCh37 (hg19) VCF-style: chr6-106552892-G-C.
Other names: c.455G>C, p.Arg152Pro (NM_182907.3); short protein forms R286P, R152P.
Identifiers: ClinVar variation 135085 (VCV000135085.5), dbSNP rs17066588, ClinGen allele CA161636.